The following is an entry in ClinVar:

ClinVar aggregate classification (germline): Uncertain significance. Review status: criteria provided, multiple submitters, no conflicts (2 of 4 stars). 2 submissions from 2 submitters: Uncertain significance (2). Last evaluated 2025-11-20.

Conditions:
Asphyxiating thoracic dystrophy 3. Also called: Saldino-Noonan Syndrome; SHORT-RIB THORACIC DYSPLASIA 3 WITH OR WITHOUT POLYDACTYLY; POLYDACTYLY WITH NEONATAL CHONDRODYSTROPHY, TYPE I; SHORT-RIB THORACIC DYSPLASIA 3/6 WITH POLYDACTYLY, DIGENIC; Short rib polydactyly syndrome 2B. Identifiers: Orphanet 474, Orphanet 93269, Orphanet 93270, Orphanet 93271, MedGen C0036069, MONDO:0013127, OMIM 613091.

Allele frequency attached by ClinVar (database versions not stated): gnomAD exomes 0.00001.
gnomAD v4.1: 7 of 1,611,924 alleles (0.00043%); highest among the groups gnomAD compares: Non-Finnish European, 0.00059%; no homozygotes.

Submissions (2):

Dasa
Classification: Uncertain significance for Asphyxiating thoracic dystrophy 3. Last evaluated: 2025-11-20. Review status: criteria provided, single submitter. Criteria: DASA Assertion Criteria. Collection method: clinical testing. Allele origin: germline.
Comment: NM_001377.3(DYNC2H1):c.11629A>G (p.Arg3877Gly) is a missense variant that results in the substitution of arginine with glycine. This variant is rare in population databases. Computational prediction algorithms are consistent with a deleterious effect. The currently available literature and clinical evidence are not sufficient to establish a definitive association between this variant and the reported condition. Therefore, this variant is classified as a variant of uncertain significance.

GeneDx
Classification: Uncertain significance. Last evaluated: 2017-08-18. Review status: criteria provided, single submitter. Criteria: GeneDx Variant Classification (06012015). Collection method: clinical testing. Allele origin: germline. Affected: yes.
Comment: The R3884G variant has not been published as a pathogenic variant, nor has it been reported as a benign variant to our knowledge. The R3884G variant is not observed in large population cohorts (Lek et al., 2016; 1000 Genomes Consortium et al., 2015; Exome Variant Server). The R3884G variant is a non-conservative amino acid substitution, which is likely to impact secondary protein structure as these residues differ in polarity, charge, size and/or other properties. This substitution occurs at a position that is conserved across species. In silico analysis predicts this variant is probably damaging to the protein structure/function.

NM_001377.3(DYNC2H1):c.11629A>G (p.Arg3877Gly)

Gene: DYNC2H1 (dynein cytoplasmic 2 heavy chain 1; plus strand). Cytogenetic location: 11q22.3.
Variant type: single nucleotide variant.
Coding change: c.11629A>G on transcript NM_001377.3 (MANE Select); coding-DNA position 11629, A replaced by G.
Protein change: p.Arg3877Gly; replaces arginine 3877 with glycine.
Molecular consequence: missense variant.
Genome position (GRCh38, 1-based): chr11:103,312,013, A>G. VCF-style: chr11-103312013-A-G. GRCh37 (hg19) VCF-style: chr11-103182742-A-G.
Other names: c.11650A>G, p.Arg3884Gly (NM_001080463.2); short protein forms R3884G, R3877G.
Identifiers: ClinVar variation 451485 (VCV000451485.4), dbSNP rs1194851950, ClinGen allele CA382264861.
Genomic context (GRCh38, chr11:103,312,013, plus strand): 5'-AATACACATCGAGCTCATGCTCTCTTCAGTCTTGCATGGTTTCATGCTGCATGTCAAGAA[A>G]GAAGAAACTATATTCCTCAGGTAAGTAAGAACATGTCTTGAATACATTCTAAGCTTTATA-3'
Protein context (NP_001368.2, residues 3867-3887): LAWFHAACQE[Arg3877Gly]RNYIPQGWTK